The following is an entry in ClinVar:

ClinVar aggregate classification (germline): Benign/Likely benign. Review status: criteria provided, multiple submitters, no conflicts (2 of 4 stars). 2 submissions from 2 submitters: Benign (1); Likely benign (1). Last evaluated 2024-12-20.

Conditions:
Lynch syndrome 5 (LYNCH5). Also called: Colorectal cancer, hereditary nonpolyposis, type 5; Hereditary non-polyposis colorectal cancer, type 5. Identifiers: Orphanet 144, MedGen C1833477, MONDO:0013710, OMIM 614350. Disease mechanism: loss of function.
Hereditary cancer-predisposing syndrome. Also called: Hereditary neoplastic syndrome; Tumor predisposition; Hereditary Cancer Syndrome; Neoplastic Syndromes, Hereditary. Identifiers: Orphanet 140162, MedGen C0027672, MeSH D009386, MONDO:0015356.

Allele frequency attached by ClinVar (database versions not stated): gnomAD exomes below 0.00001; gnomAD 0.00001.
gnomAD v4.1: 2 of 1,614,060 alleles (0.00012%); no homozygotes.

Submissions (2):

Myriad Genetics, Inc.
Classification: Benign for Lynch syndrome 5. Last evaluated: 2024-12-20. Review status: criteria provided, single submitter. Criteria: Myriad Autosomal Dominant, Autosomal Recessive and X-Linked Classification Criteria (2023). Collection method: clinical testing. Allele origin: unknown.
Comment: This variant is considered benign. This variant is a silent/synonymous amino acid change and it is not expected to impact splicing.

Color Diagnostics, LLC DBA Color Health
Classification: Likely benign for Hereditary cancer-predisposing syndrome. Last evaluated: 2016-09-27. Review status: criteria provided, single submitter. Criteria: ACMG Guidelines, 2015. Collection method: clinical testing. Allele origin: germline.

NM_000179.3(MSH6):c.1062A>G (p.Gly354=)

Gene: MSH6 (mutS homolog 6; plus strand). Cytogenetic location: 2p16.3.
Variant type: single nucleotide variant.
Coding change: c.1062A>G on transcript NM_000179.3 (MANE Select); coding-DNA position 1062, A replaced by G.
Protein change: p.Gly354=; no amino-acid change (glycine 354 retained).
Molecular consequence: synonymous variant.
Genome position (GRCh38, 1-based): chr2:47,799,045, A>G. VCF-style: chr2-47799045-A-G. GRCh37 (hg19) VCF-style: chr2-48026184-A-G.
Other names: c.672A>G, p.Gly224= (NM_001281492.2); c.156A>G, p.Gly52= (NM_001281493.2, NM_001281494.2).
Identifiers: ClinVar variation 491865 (VCV000491865.4), dbSNP rs1333491667, ClinGen allele CA426120921.